The following is an entry in ClinVar:

ClinVar aggregate classification (germline): Uncertain significance (1 of 4 stars; one submission).

Conditions:
3-methylglutaconic aciduria, type VIIB (MGCA7B). Also called: 3-methylglutaconic aciduria, type VII, with cataracts, neurologic involvement and neutropenia; CLPB Deficiency; 3-methylglutaconic aciduria with cataracts, neurologic involvement and neutropenia. Identifiers: Orphanet 445038, MedGen C5676893, MONDO:0014561, OMIM 616271.

gnomAD v4.1: 1 of 1,614,008 alleles (0.000062%); highest among the groups gnomAD compares: Admixed American, 0.0017%; no homozygotes.

Submission:

Labcorp Genetics (formerly Invitae), Labcorp
Classification: Uncertain significance for 3-methylglutaconic aciduria, type VIIB. Last evaluated: 2024-04-22. Review status: criteria provided, single submitter. Criteria: Invitae Variant Classification Sherloc (09022015). Collection method: clinical testing. Allele origin: germline.
Comment: This sequence change replaces proline, which is neutral and non-polar, with threonine, which is neutral and polar, at codon 193 of the CLPB protein (p.Pro193Thr). This variant is present in population databases (no rsID available, gnomAD 0.1%). This variant has not been reported in the literature in individuals affected with CLPB-related conditions. An algorithm developed to predict the effect of missense changes on protein structure and function (PolyPhen-2) suggests that this variant is likely to be disruptive. In summary, the available evidence is currently insufficient to determine the role of this variant in disease. Therefore, it has been classified as a Variant of Uncertain Significance.

NM_001258392.3(CLPB):c.577C>A (p.Pro193Thr)

Gene: CLPB (ClpB family mitochondrial disaggregase; minus strand). Cytogenetic location: 11q13.4.
Variant type: single nucleotide variant.
Coding change: c.577C>A on transcript NM_001258392.3 (MANE Select); coding-DNA position 577, C replaced by A.
Protein change: p.Pro193Thr; replaces proline 193 with threonine.
Molecular consequence: missense variant.
Genome position (GRCh38, 1-based): chr11:72,380,350, G>T on the plus strand (C>A on the coding strand, the complement: CLPB is on the minus strand). VCF-style: chr11-72380350-G-T. GRCh37 (hg19) VCF-style: chr11-72091394-G-T.
Other names: c.490C>A, p.Pro164Thr (NM_001258393.3); c.442C>A, p.Pro148Thr (NM_001258394.3); c.577C>A, p.Pro193Thr (NM_030813.6); short protein forms P148T, P164T, P193T.
Identifiers: ClinVar variation 3650600 (VCV003650600.2).
Genomic context (GRCh38, chr11:72,380,350, plus strand): 5'-AATGGATTCCCTGTTCCTTGGCAGTCTTGTAAACACTGCTGAAATCATCTCCAAGGTTTG[G>T]ATCAGCCCCAGCAGCAAGCAGGACCTGTACCACACTAGAAGAAATCACAAAGACAGAAGT-3'
Protein context (NP_001245321.1, residues 183-203): VQVLLAAGAD[Pro193Thr]NLGDDFSSVY